The following is an entry in ClinVar:

NM_001129.5(AEBP1):c.2191G>C (p.Glu731Gln)

Gene: AEBP1 (AE binding protein 1; plus strand). Cytogenetic location: 7p13.
Variant type: single nucleotide variant.
Coding change: c.2191G>C on transcript NM_001129.5 (MANE Select); coding-DNA position 2191, G replaced by C.
Protein change: p.Glu731Gln; replaces glutamic acid 731 with glutamine.
Molecular consequence: missense variant.
Genome position (GRCh38, 1-based): chr7:44,112,295, G>C. VCF-style: chr7-44112295-G-C. GRCh37 (hg19) VCF-style: chr7-44151894-G-C.
Other names: short protein forms E731Q.
Identifiers: ClinVar variation 2004965 (VCV002004965.3), dbSNP rs2484357446, ClinGen allele CA367369054.
Genomic context (GRCh38, chr7:44,112,295, plus strand): 5'-GGAGCTGAGGAGAGGAAATGGGTCCCCTACCGGGTCCCCAACAATAACTTGCCCATCCCT[G>C]AACGCTACCTTTCGCCAGATGCCACGGTGAGGCTACAGCCTGGCTGAAAGGGCAGGAGGG-3'
Protein context (NP_001120.3, residues 721-741): RVPNNNLPIP[Glu731Gln]RYLSPDATVS

ClinVar aggregate classification (germline): Uncertain significance (1 of 4 stars; one submission).

Submission:

Labcorp Genetics (formerly Invitae), Labcorp
Classification: Uncertain significance. Last evaluated: 2022-06-18. Review status: criteria provided, single submitter. Criteria: Invitae Variant Classification Sherloc (09022015). Collection method: clinical testing. Allele origin: germline.
Comment: This variant is not present in population databases (gnomAD no frequency). This sequence change replaces glutamic acid, which is acidic and polar, with glutamine, which is neutral and polar, at codon 731 of the AEBP1 protein (p.Glu731Gln). This variant has not been reported in the literature in individuals affected with AEBP1-related conditions. Algorithms developed to predict the effect of missense changes on protein structure and function are either unavailable or do not agree on the potential impact of this missense change (SIFT: "Deleterious"; PolyPhen-2: "Possibly Damaging"; Align-GVGD: "Class C0"). In summary, the available evidence is currently insufficient to determine the role of this variant in disease. Therefore, it has been classified as a Variant of Uncertain Significance.